The following is an entry in ClinVar:

NM_006019.4(TCIRG1):c.1503del (p.Asn503fs)

Gene: TCIRG1 (T cell immune regulator 1, ATPase H+ transporting V0 subunit a3; plus strand). Cytogenetic location: 11q13.2.
Variant type: Deletion.
Coding change: c.1503del on transcript NM_006019.4 (MANE Select); coding-DNA position 1503, one base deleted (T; older notation c.1503delT).
Protein change: p.Asn503fs; shifts the reading frame from asparagine 503.
Molecular consequence: frameshift variant.
Genome position (GRCh38, 1-based): chr11:68,047,921, T deleted. VCF-style (leftmost placement, unchanged base first): chr11-68047920-AT-A. GRCh37 (hg19) VCF-style: chr11-67815387-AT-A.
Other names: c.609del, p.Asn205fs (NM_001351059.2); c.855del, p.Asn287fs (NM_006053.4); short protein forms N205fs, N503fs, N287fs.
Identifiers: ClinVar variation 2759159 (VCV002759159.3), dbSNP rs2495649241, ClinGen allele CA2697548727.

ClinVar aggregate classification (germline): Pathogenic (1 of 4 stars; one submission).

Submission:

Labcorp Genetics (formerly Invitae), Labcorp
Classification: Pathogenic. Last evaluated: 2023-09-08. Review status: criteria provided, single submitter. Criteria: Invitae Variant Classification Sherloc (09022015). Collection method: clinical testing. Allele origin: germline.
Comment: For these reasons, this variant has been classified as Pathogenic. This variant has not been reported in the literature in individuals affected with TCIRG1-related conditions. This variant is not present in population databases (gnomAD no frequency). This sequence change creates a premature translational stop signal (p.Asn503Thrfs*25) in the TCIRG1 gene. It is expected to result in an absent or disrupted protein product. Loss-of-function variants in TCIRG1 are known to be pathogenic (PMID: 10888887, 10942435, 11532986, 19448635).

Literature cited by the submitters: PubMed 10888887; PubMed 10942435; PubMed 11532986; PubMed 19448635.